The following is an entry in ClinVar:

ClinVar aggregate classification (germline): Uncertain significance. Review status: criteria provided, multiple submitters, no conflicts (2 of 4 stars). 2 submissions from 2 submitters: Uncertain significance (2). Last evaluated 2025-01-07.

Conditions:
Ehlers-Danlos syndrome, type 4 (EDSVASC). Also called: Ehlers-Danlos syndrome vascular type; Ehlers Danlos syndrome, ecchymotic type; Ehlers Danlos syndrome, arterial type; Ehlers Danlos syndrome, Sack-Barabas type; Ehlers-Danlos Syndrome Type IV. Identifiers: Orphanet 286, MedGen C0268338, MONDO:0017314, OMIM 130050.

Submissions (2):

Women's Health and Genetics/Laboratory Corporation of America, LabCorp
Classification: Uncertain significance. Last evaluated: 2025-01-07. Review status: criteria provided, single submitter. Criteria: LabCorp Variant Classification Summary - May 2015. Collection method: clinical testing. Allele origin: germline.
Comment: Variant summary: COL3A1 c.4351G>A (p.Gly1451Ser) results in a non-conservative amino acid change located in the Fibrillar collagens C-terminal domain of the encoded protein sequence. Three of five in-silico tools predict a damaging effect of the variant on protein function. The variant was absent in 251274 control chromosomes. The available data on variant occurrences in the general population are insufficient to allow any conclusion about variant significance. To our knowledge, no occurrence of c.4351G>A in individuals affected with Polymicrogyria with or without vascular-type Ehlers-Danlos syndrome and no experimental evidence demonstrating its impact on protein function have been reported. No submitters have cited clinical-significance assessments for this variant to ClinVar. Based on the evidence outlined above, the variant was classified as uncertain significance.

Labcorp Genetics (formerly Invitae), Labcorp
Classification: Uncertain significance for Ehlers-Danlos syndrome, type 4. Last evaluated: 2024-10-10. Review status: criteria provided, single submitter. Criteria: Invitae Variant Classification Sherloc (09022015). Collection method: clinical testing. Allele origin: germline.
Comment: This sequence change replaces glycine, which is neutral and non-polar, with serine, which is neutral and polar, at codon 1451 of the COL3A1 protein (p.Gly1451Ser). This variant is not present in population databases (gnomAD no frequency). This variant has not been reported in the literature in individuals affected with COL3A1-related conditions. Invitae Evidence Modeling of protein sequence and biophysical properties (such as structural, functional, and spatial information, amino acid conservation, physicochemical variation, residue mobility, and thermodynamic stability) indicates that this missense variant is not expected to disrupt COL3A1 protein function with a negative predictive value of 95%. In summary, the available evidence is currently insufficient to determine the role of this variant in disease. Therefore, it has been classified as a Variant of Uncertain Significance.

NM_000090.4(COL3A1):c.4351G>A (p.Gly1451Ser)

Gene: COL3A1 (collagen type III alpha 1 chain; plus strand). Cytogenetic location: 2q32.2.
Variant type: single nucleotide variant.
Coding change: c.4351G>A on transcript NM_000090.4 (MANE Select); coding-DNA position 4351, G replaced by A.
Protein change: p.Gly1451Ser; replaces glycine 1451 with serine.
Molecular consequence: missense variant.
Genome position (GRCh38, 1-based): chr2:189,011,724, G>A. VCF-style: chr2-189011724-G-A. GRCh37 (hg19) VCF-style: chr2-189876450-G-A.
Other names: short protein forms G1451S.
Identifiers: ClinVar variation 3621109 (VCV003621109.4).
Genomic context (GRCh38, chr2:189,011,724, plus strand): 5'-TATCGAACACGCAAGGCTGTGAGACTACCTATTGTAGATATTGCACCCTATGACATTGGT[G>A]GTCCTGATCAAGAATTTGGTGTGGACGTTGGCCCTGTTTGCTTTTTATAAACCAAACTCT-3'
Protein context (NP_000081.2, residues 1441-1461): IVDIAPYDIG[Gly1451Ser]PDQEFGVDVG